The following is an entry in ClinVar:

NM_001854.4(COL11A1):c.3762G>C (p.Lys1254Asn)

Gene: COL11A1 (collagen type XI alpha 1 chain; minus strand). Cytogenetic location: 1p21.1.
Variant type: single nucleotide variant.
Coding change: c.3762G>C on transcript NM_001854.4 (MANE Select); coding-DNA position 3762, G replaced by C.
Protein change: p.Lys1254Asn; replaces lysine 1254 with asparagine.
Molecular consequence: missense variant. On other transcripts: non-coding transcript variant (1).
Genome position (GRCh38, 1-based): chr1:102,920,311, C>G on the plus strand (G>C on the coding strand, the complement: COL11A1 is on the minus strand). VCF-style: chr1-102920311-C-G. GRCh37 (hg19) VCF-style: chr1-103385867-C-G.
Other names: c.3414G>C, p.Lys1138Asn (NM_001168249.1, NM_080630.4); c.3645G>C, p.Lys1215Asn (NM_001190709.2); c.3798G>C, p.Lys1266Asn (NM_080629.3); short protein forms K1138N, K1215N, K1254N, K1266N.
Identifiers: ClinVar variation 2431602 (VCV002431602.2), dbSNP rs2101066494, ClinGen allele CA341163645.

ClinVar aggregate classification (germline): Uncertain significance. Review status: criteria provided, single submitter (1 of 4 stars). 2 submissions from 2 submitters: Uncertain significance (1). 1 of the submissions does not count toward it. Last evaluated 2023-01-06.

Conditions:
Stickler syndrome type 2 (STL2). Also called: STICKLER SYNDROME, TYPE II; STICKLER SYNDROME, BEADED VITREOUS TYPE; STICKLER SYNDROME, VITREOUS TYPE 2; COL11A1-Related Stickler Syndrome. Identifiers: Orphanet 828, Orphanet 90654, MedGen C1858084, MONDO:0011493, OMIM 604841.

Submissions (2):

Laboratorio de Genetica e Diagnostico Molecular, Hospital Israelita Albert Einstein
Classification: Uncertain significance for Stickler syndrome type 2. Last evaluated: 2023-01-06. Review status: criteria provided, single submitter. Criteria: ACMG Guidelines, 2015. Collection method: clinical testing. Allele origin: germline. Affected: yes. Observed: 1 variant allele.
Comment: ACMG classification criteria: PM2 moderated

Autoinflammatory diseases unit, CHU de Montpellier
Classification: Likely pathogenic for Stickler syndrome type 2. Last evaluated: 2024-09-25. Review status: no assertion criteria provided. Collection method: clinical testing. Allele origin: maternal. Affected: yes. Not counted in ClinVar's aggregate classification.